The following is an entry in ClinVar:

ClinVar aggregate classification (germline): Uncertain significance (1 of 4 stars; one submission).

Submission:

Labcorp Genetics (formerly Invitae), Labcorp
Classification: Uncertain significance. Last evaluated: 2020-09-09. Review status: criteria provided, single submitter. Criteria: Invitae Variant Classification Sherloc (09022015). Collection method: clinical testing. Allele origin: germline.
Comment: In summary, the available evidence is currently insufficient to determine the role of this variant in disease. Therefore, it has been classified as a Variant of Uncertain Significance. Advanced modeling of protein sequence and biophysical properties (such as structural, functional, and spatial information, amino acid conservation, physicochemical variation, residue mobility, and thermodynamic stability) performed at Invitae indicates that this missense variant is not expected to disrupt CDHR1 protein function. This variant has not been reported in the literature in individuals with CDHR1-related conditions. This variant is not present in population databases (ExAC no frequency). This sequence change replaces proline with serine at codon 308 of the CDHR1 protein (p.Pro308Ser). The proline residue is highly conserved and there is a moderate physicochemical difference between proline and serine.

NM_033100.4(CDHR1):c.922C>T (p.Pro308Ser)

Gene: CDHR1 (cadherin related family member 1; plus strand). Cytogenetic location: 10q23.1.
Variant type: single nucleotide variant.
Coding change: c.922C>T on transcript NM_033100.4 (MANE Select); coding-DNA position 922, C replaced by T.
Protein change: p.Pro308Ser; replaces proline 308 with serine.
Molecular consequence: missense variant.
Genome position (GRCh38, 1-based): chr10:84,205,886, C>T. VCF-style: chr10-84205886-C-T. GRCh37 (hg19) VCF-style: chr10-85965642-C-T.
Other names: c.922C>T, p.Pro308Ser (NM_001171971.3); short protein forms P308S.
Identifiers: ClinVar variation 1058063 (VCV001058063.9), dbSNP rs2132814653, ClinGen allele CA377373868.